The following is an entry in ClinVar:

ClinVar aggregate classification (germline): Likely pathogenic (1 of 4 stars; one submission).

Conditions:
Paediatric disorders.

Submission:

North West Genomic Laboratory Hub, Manchester University NHS Foundation Trust
Classification: Likely pathogenic for Paediatric disorders. Last evaluated: 2026-04-27. Review status: criteria provided, single submitter. Criteria: ACGS Best Practice Guidelines for Variant Classification in Rare Disease 2024. Collection method: clinical testing. Allele origin: germline. Affected: yes.
Comment: PP4_Str PP2_Supp PM2_Mod PP3_Supp

NM_001170629.2(CHD8):c.2030A>G (p.Tyr677Cys)

Gene: CHD8 (chromodomain helicase DNA binding protein 8; minus strand). Cytogenetic location: 14q11.2.
Variant type: single nucleotide variant.
Coding change: c.2030A>G on transcript NM_001170629.2 (MANE Select); coding-DNA position 2030, A replaced by G.
Protein change: p.Tyr677Cys; replaces tyrosine 677 with cysteine.
Molecular consequence: missense variant.
Genome position (GRCh38, 1-based): chr14:21,414,413, T>C on the plus strand (A>G on the coding strand, the complement: CHD8 is on the minus strand). VCF-style: chr14-21414413-T-C. GRCh37 (hg19) VCF-style: chr14-21882572-T-C.
Other names: c.1193A>G, p.Tyr398Cys (NM_020920.4); short protein forms Y398C, Y677C.
Identifiers: ClinVar variation 4851485 (VCV004851485.1).